The following is an entry in ClinVar:

ClinVar aggregate classification (germline): Uncertain significance (1 of 4 stars; one submission).

Conditions:
Hereditary cancer-predisposing syndrome. Also called: Hereditary neoplastic syndrome; Neoplastic Syndromes, Hereditary; Tumor predisposition; Hereditary Cancer Syndrome. Identifiers: Orphanet 140162, MedGen C0027672, MeSH D009386, MONDO:0015356.

Submission:

Ambry Genetics
Classification: Uncertain significance for Hereditary cancer-predisposing syndrome. Last evaluated: 2025-08-27. Review status: criteria provided, single submitter. Criteria: Ambry Variant Classification Scheme 2023. Collection method: clinical testing. Allele origin: germline.
Comment: The p.A91D variant (also known as c.272C>A), located in coding exon 3 of the MUTYH gene, results from a C to A substitution at nucleotide position 272. The alanine at codon 91 is replaced by aspartic acid, an amino acid with dissimilar properties. This amino acid position is conserved. In addition, this alteration is predicted to be tolerated by in silico analysis. Based on the available evidence, the clinical significance of this variant remains unclear.

NM_001048174.2(MUTYH):c.188C>A (p.Ala63Asp)

Gene: MUTYH (mutY DNA glycosylase; minus strand). Cytogenetic location: 1p34.1.
Variant type: single nucleotide variant.
Coding change: c.188C>A on transcript NM_001048174.2 (MANE Select); coding-DNA position 188, C replaced by A.
Protein change: p.Ala63Asp; replaces alanine 63 with aspartic acid.
Molecular consequence: missense variant. On other transcripts: 5 prime UTR variant (6), non-coding transcript variant (7).
Genome position (GRCh38, 1-based): chr1:45,333,489, G>T on the plus strand (C>A on the coding strand, the complement: MUTYH is on the minus strand). VCF-style: chr1-45333489-G-T. GRCh37 (hg19) VCF-style: chr1-45799161-G-T.
Other names: c.188C>A, p.Ala63Asp (NM_001048171.2, NM_001048173.2, NM_001293195.2 and 6 more transcripts); c.191C>A, p.Ala64Asp (NM_001048172.2, NM_001407071.1, NM_001407078.1 and 2 more transcripts); c.272C>A, p.Ala91Asp (NM_001128425.2); c.233C>A, p.Ala78Asp (NM_001293190.2); c.221C>A, p.Ala74Asp (NM_001293191.2, NM_001407077.1); c.-89C>A (NM_001293192.2, NM_001293196.2, NM_001407091.1); c.-84C>A (NM_001350650.2, NM_001350651.2, NM_001407082.1); c.263C>A, p.Ala88Asp (NM_001407069.1, NM_012222.3); and 3 more; short protein forms A64D, A74D, A77D, A88D, A35D, A63D, A70D, A91D.
Identifiers: ClinVar variation 4113566 (VCV004113566.1).